The following is an entry in ClinVar:

NM_000078.3(CETP):c.120G>C (p.Leu40Phe)

Gene: CETP (cholesteryl ester transfer protein; plus strand). Cytogenetic location: 16q13.
Variant type: single nucleotide variant.
Coding change: c.120G>C on transcript NM_000078.3 (MANE Select); coding-DNA position 120, G replaced by C.
Protein change: p.Leu40Phe; replaces leucine 40 with phenylalanine.
Molecular consequence: missense variant.
Genome position (GRCh38, 1-based): chr16:56,963,011, G>C. VCF-style: chr16-56963011-G-C. GRCh37 (hg19) VCF-style: chr16-56996923-G-C.
Other names: c.120G>C, p.Leu40Phe (NM_001286085.2); short protein forms L40F.
Identifiers: ClinVar variation 4762075 (VCV004762075.1).

ClinVar aggregate classification (germline): Uncertain significance (1 of 4 stars; one submission).

Submission:

Labcorp Genetics (formerly Invitae), Labcorp
Classification: Uncertain significance. Last evaluated: 2025-12-19. Review status: criteria provided, single submitter. Criteria: Invitae Variant Classification Sherloc (09022015). Collection method: clinical testing. Allele origin: germline.
Comment: This sequence change replaces leucine, which is neutral and non-polar, with phenylalanine, which is neutral and non-polar, at codon 40 of the CETP protein (p.Leu40Phe). This variant is not present in population databases (gnomAD no frequency). This variant has not been reported in the literature in individuals affected with CETP-related conditions. An algorithm developed to predict the effect of missense changes on protein structure and function outputs the following: PolyPhen-2: "Probably Damaging". The phenylalanine amino acid residue is found in multiple mammalian species, which suggests that this missense change does not adversely affect protein function. In summary, the available evidence is currently insufficient to determine the role of this variant in disease. Therefore, it has been classified as a Variant of Uncertain Significance.